The following is an entry in ClinVar:

NM_005026.5(PIK3CD):c.171_178del (p.Leu58fs)

Gene: PIK3CD (phosphatidylinositol-4,5-bisphosphate 3-kinase catalytic subunit delta; plus strand). Cytogenetic location: 1p36.22.
Variant type: Deletion.
Coding change: c.171_178del on transcript NM_005026.5 (MANE Select); coding-DNA positions 171 to 178, 8 bases deleted (GCTCTTCC; older notation c.171_178delGCTCTTCC).
Protein change: p.Leu58fs; shifts the reading frame from leucine 58.
Molecular consequence: frameshift variant.
Genome position (GRCh38, 1-based): chr1:9,715,570-9,715,577, GCTCTTCC deleted; deleting any 8 consecutive bases within chr1:9,715,568-9,715,577 gives the same sequence; the c. name uses the placement nearest the transcript's 3' end. VCF-style (leftmost placement, unchanged base first): chr1-9715567-GCCGCTCTT-G. GRCh37 (hg19) VCF-style: chr1-9775625-GCCGCTCTT-G.
Other names: c.171_178del, p.Leu58fs (NM_001350234.2, NM_001350235.1); short protein forms L58fs.
Identifiers: ClinVar variation 1500652 (VCV001500652.6), dbSNP rs2100840815, ClinGen allele CA2573131940.

ClinVar aggregate classification (germline): Pathogenic (1 of 4 stars; one submission).

Conditions:
Immunodeficiency 14 (IMD14A). Also called: ACTIVATED PI3K-DELTA SYNDROME 1; Activated PI3K Delta Syndrome Type 1 (APDS1); p110-DELTA-ACTIVATING MUTATION CAUSING SENESCENT T CELLS, LYMPHADENOPATHY, AND IMMUNODEFICIENCY; IMMUNODEFICIENCY 14A WITH LYMPHOPROLIFERATION, AUTOSOMAL DOMINANT. Identifiers: Orphanet 397596, Orphanet 693661, MedGen C5907821, MONDO:0014222, OMIM 615513.

Submission:

Labcorp Genetics (formerly Invitae), Labcorp
Classification: Pathogenic for Activated PI3K-delta syndrome. Last evaluated: 2025-07-07. Review status: criteria provided, single submitter. Criteria: Invitae Variant Classification Sherloc (09022015). Collection method: clinical testing. Allele origin: germline.
Comment: This sequence change creates a premature translational stop signal (p.Leu58Hisfs*31) in the PIK3CD gene. It is expected to result in an absent or disrupted protein product. Loss-of-function variants in PIK3CD are known to be pathogenic (PMID: 30040974, 31073077). This variant is not present in population databases (gnomAD no frequency). This variant has not been reported in the literature in individuals affected with PIK3CD-related conditions. ClinVar contains an entry for this variant (Variation ID: 1500652). Experimental studies and prediction algorithms are not available or were not evaluated, and the functional significance of this variant is currently unknown. For these reasons, this variant has been classified as Pathogenic.

Literature cited by the submitters: PubMed 30040974; PubMed 31073077.